The following is an entry in ClinVar:

ClinVar aggregate classification (germline): Uncertain significance (1 of 4 stars; one submission).

Conditions:
Neurofibromatosis, type 1 (NF1). Also called: VON RECKLINGHAUSEN DISEASE; Peripheral type neurofibromatosis; Neurofibromatosis, type I; NEUROFIBROMATOSIS, TYPE I, SOMATIC. Identifiers: Orphanet 636, MedGen C0027831, MONDO:0018975, OMIM 162200. Disease mechanism: loss of function.

Submission:

Labcorp Genetics (formerly Invitae), Labcorp
Classification: Uncertain significance for Neurofibromatosis, type 1. Last evaluated: 2021-11-05. Review status: criteria provided, single submitter. Criteria: Invitae Variant Classification Sherloc (09022015). Collection method: clinical testing. Allele origin: germline.
Comment: This sequence change replaces leucine, which is neutral and non-polar, with proline, which is neutral and non-polar, at codon 81 of the NF1 protein (p.Leu81Pro). This variant is not present in population databases (gnomAD no frequency). This variant has not been reported in the literature in individuals affected with NF1-related conditions. Algorithms developed to predict the effect of missense changes on protein structure and function are either unavailable or do not agree on the potential impact of this missense change (SIFT: "Deleterious"; PolyPhen-2: "Possibly Damaging"; Align-GVGD: "Class C0"). In summary, the available evidence is currently insufficient to determine the role of this variant in disease. Therefore, it has been classified as a Variant of Uncertain Significance.

NM_001042492.3(NF1):c.242T>C (p.Leu81Pro)

Gene: NF1 (neurofibromin 1; plus strand). Cytogenetic location: 17q11.2.
Variant type: single nucleotide variant.
Coding change: c.242T>C on transcript NM_001042492.3 (MANE Select); coding-DNA position 242, T replaced by C.
Protein change: p.Leu81Pro; replaces leucine 81 with proline.
Molecular consequence: missense variant.
Genome position (GRCh38, 1-based): chr17:31,159,047, T>C. VCF-style: chr17-31159047-T-C. GRCh37 (hg19) VCF-style: chr17-29486065-T-C.
Other names: c.242T>C, p.Leu81Pro (NM_000267.4, NM_001128147.3); short protein forms L81P.
Identifiers: ClinVar variation 1349725 (VCV001349725.6), dbSNP rs2143646000, ClinGen allele CA398989629.